The following is an entry in ClinVar:

NM_213599.3(ANO5):c.2144A>G (p.Gln715Arg)

Gene: ANO5 (anoctamin 5; plus strand). Cytogenetic location: 11p14.3.
Variant type: single nucleotide variant.
Coding change: c.2144A>G on transcript NM_213599.3 (MANE Select); coding-DNA position 2144, A replaced by G.
Protein change: p.Gln715Arg; replaces glutamine 715 with arginine.
Molecular consequence: missense variant.
Genome position (GRCh38, 1-based): chr11:22,272,898, A>G. VCF-style: chr11-22272898-A-G. GRCh37 (hg19) VCF-style: chr11-22294444-A-G.
Other names: c.2141A>G, p.Gln714Arg (NM_001142649.2); short protein forms Q715R, Q714R.
Identifiers: ClinVar variation 286698 (VCV000286698.10), dbSNP rs886043450, ClinGen allele CA10605538.

ClinVar aggregate classification (germline): Uncertain significance. Review status: criteria provided, multiple submitters, no conflicts (2 of 4 stars). 2 submissions from 2 submitters: Uncertain significance (2). Last evaluated 2026-02-01.

Conditions:
Autosomal recessive limb-girdle muscular dystrophy type 2L (LGMDR12). Also called: Limb-girdle muscular dystrophy, type 2L; Limb-Girdle Muscular Dystrophy R12 Anoctamin-5-Related (LGMD-R12); MUSCULAR DYSTROPHY, LIMB-GIRDLE, AUTOSOMAL RECESSIVE 12. Identifiers: Orphanet 206549, MedGen C1969785, MONDO:0012652, OMIM 611307.
Gnathodiaphyseal dysplasia (GDD). Also called: GNATHODIAPHYSEAL SCLEROSIS; OSTEOGENESIS IMPERFECTA WITH UNUSUAL SKELETAL LESIONS. Identifiers: Orphanet 53697, MedGen C1833736, MONDO:0008151, OMIM 166260.

gnomAD v4.1: 8 of 1,614,128 alleles (0.0005%); highest among the groups gnomAD compares: South Asian, 0.0022%; no homozygotes.

Submissions (2):

Labcorp Genetics (formerly Invitae), Labcorp
Classification: Uncertain significance for Autosomal recessive limb-girdle muscular dystrophy type 2L; Gnathodiaphyseal dysplasia. Last evaluated: 2026-02-01. Review status: criteria provided, single submitter. Criteria: Invitae Variant Classification Sherloc (09022015). Collection method: clinical testing. Allele origin: germline.
Comment: This sequence change replaces glutamine, which is neutral and polar, with arginine, which is basic and polar, at codon 715 of the ANO5 protein (p.Gln715Arg). This variant is not present in population databases (gnomAD no frequency). This missense change has been observed in individual(s) with clinical features of limb‐girdle muscular dystrophy (PMID: 30564623). ClinVar contains an entry for this variant (Variation ID: 286698). Invitae Evidence Modeling of protein sequence and biophysical properties (such as structural, functional, and spatial information, amino acid conservation, physicochemical variation, residue mobility, and thermodynamic stability) has been performed for this missense variant. However, the output from this modeling did not meet the statistical confidence thresholds required to predict the impact of this variant on ANO5 protein function. In summary, the available evidence is currently insufficient to determine the role of this variant in disease. Therefore, it has been classified as a Variant of Uncertain Significance.

Eurofins Ntd Llc (ga)
Classification: Uncertain significance. Last evaluated: 2016-03-16. Review status: criteria provided, single submitter. Criteria: EGL Classification Definitions 2015. Collection method: clinical testing. Allele origin: germline. Observed: 1 variant allele, 1 heterozygote.

Literature cited by the submitters: PubMed 30564623 (cited by Labcorp Genetics (formerly Invitae), Labcorp).